The following is an entry in ClinVar:

ClinVar aggregate classification (germline): Pathogenic/Likely pathogenic. Review status: criteria provided, multiple submitters, no conflicts (2 of 4 stars). 5 submissions from 5 submitters: Pathogenic (2); Likely pathogenic (1). 2 of the submissions do not count toward it. Last evaluated 2026-02-24.

Conditions:
Oto-palato-digital syndrome, type II (OPD2). Also called: Otopalatodigital Syndrome, Type II; OPD II SYNDROME; FACIOPALATOOSSEOUS SYNDROME; Otopalatodigital Syndrome Type 2 (FLNA-OPD2). Identifiers: Orphanet 669, Orphanet 90652, MedGen C1844696, MONDO:0010571, OMIM 304120.
Melnick-Needles syndrome (MNS). Also called: MELNICK-NEEDLES OSTEODYSPLASTY; OSTEODYSPLASTY OF MELNICK AND NEEDLES; Melnick-Needles Syndrome (FLNA-MNS). Identifiers: Orphanet 2484, MedGen C0025237, MONDO:0010650, OMIM 309350.
Heterotopia, periventricular, X-linked dominant (PVNH1). Also called: PERIVENTRICULAR NODULAR HETEROTOPIA 1; PERIVENTRICULAR NODULAR HETEROTOPIA 4; HETEROTOPIA, PERIVENTRICULAR, 1; X-linked periventricular heterotopia. Identifiers: Orphanet 2149, Orphanet 82004, MedGen C1848213, MONDO:0010233, OMIM 300049.
Frontometaphyseal dysplasia (FMD1). Identifiers: Orphanet 1826, MedGen C0265293, MONDO:0015942.
Fetal anomalies with a likely genetic cause.
Cardiac valvular dysplasia, X-linked (CVDPX). Also called: Isolated X-Linked Cardiac Valvular Dysplasia; Congenital valvular dysplasia; MYXOMATOUS VALVULAR DYSTROPHY, X-LINKED; FLNA-Related X-linked Cardiac Valvular Dysplasia; VALVULAR HEART DISEASE, CONGENITAL. Identifiers: Orphanet 1864, Orphanet 555877, Orphanet 75497, MedGen C0262436, MONDO:0010753, OMIM 314400.

Allele frequency attached by ClinVar (database versions not stated): gnomAD exomes below 0.00001.
gnomAD v4.1: 1 of 1,211,234 alleles (0.000083%); highest among the groups gnomAD compares: Non-Finnish European, 0.00011%; no homozygotes.

Submissions (5):

Genetics Laboratory, Great Ormond Street Hospital NHS Foundation Trust, North Thames Genomic Laboratory Hub
Classification: Pathogenic for Fetal anomalies with a likely genetic cause. Last evaluated: 2026-02-24. Review status: criteria provided, single submitter. Criteria: ACGS Best Practice Guidelines for Variant Classification in Rare Disease 2024 v1.2. Collection method: clinical testing. Allele origin: germline. Affected: yes.
Comment: PM2_moderate, PP3_supporting, PS3_moderate, PP2_supporting, PP1_strong

Genomic Medicine Center of Excellence, King Faisal Specialist Hospital and Research Centre
Classification: Likely pathogenic for Heterotopia, periventricular, X-linked dominant. Last evaluated: 2024-12-19. Review status: criteria provided, single submitter. Criteria: ACMG Guidelines, 2015. Collection method: clinical testing. Allele origin: germline.

Labcorp Genetics (formerly Invitae), Labcorp
Classification: Pathogenic for Oto-palato-digital syndrome, type II; Heterotopia, periventricular, X-linked dominant; Frontometaphyseal dysplasia; Melnick-Needles syndrome. Last evaluated: 2024-07-30. Review status: criteria provided, single submitter. Criteria: Invitae Variant Classification Sherloc (09022015). Collection method: clinical testing. Allele origin: germline.
Comment: This sequence change replaces glycine, which is neutral and non-polar, with arginine, which is basic and polar, at codon 288 of the FLNA protein (p.Gly288Arg). This variant is not present in population databases (gnomAD no frequency). This missense change has been observed in individual(s) with valvular dystrophy (PMID: 17190868, 29020406). It has also been observed to segregate with disease in related individuals. ClinVar contains an entry for this variant (Variation ID: 11777). Advanced modeling of protein sequence and biophysical properties (such as structural, functional, and spatial information, amino acid conservation, physicochemical variation, residue mobility, and thermodynamic stability) has been performed at Invitae for this missense variant, however the output from this modeling did not meet the statistical confidence thresholds required to predict the impact of this variant on FLNA protein function. Experimental studies have shown that this missense change affects FLNA function (PMID: 24200678). For these reasons, this variant has been classified as Pathogenic.

OMIM
Classification: Pathogenic for CARDIAC VALVULAR DYSPLASIA, X-LINKED. Last evaluated: 2007-01-02. Review status: no assertion criteria provided. Collection method: literature only. Allele origin: germline. Not counted in ClinVar's aggregate classification.

GeneReviews
No classification provided. Condition: Cardiac valvular dysplasia, X-linked. Review status: no classification provided. Collection method: literature only. Allele origin: germline. Not counted in ClinVar's aggregate classification.

Literature cited by the submitters: PubMed 17190868 (cited by Labcorp Genetics (formerly Invitae), Labcorp and OMIM); PubMed 29020406 (cited by Labcorp Genetics (formerly Invitae), Labcorp); PubMed 24200678 (cited by Labcorp Genetics (formerly Invitae), Labcorp); PubMed 8230166 (cited by OMIM); NCBI Bookshelf NBK1213 (cited by GeneReviews).

NM_001110556.2(FLNA):c.862G>A (p.Gly288Arg)

Gene: FLNA (filamin A; minus strand). Cytogenetic location: Xq28.
Variant type: single nucleotide variant.
Coding change: c.862G>A on transcript NM_001110556.2 (MANE Select); coding-DNA position 862, G replaced by A.
Protein change: p.Gly288Arg; replaces glycine 288 with arginine.
Molecular consequence: missense variant.
Genome position (GRCh38, 1-based): chrX:154,367,403, C>T on the plus strand (G>A on the coding strand, the complement: FLNA is on the minus strand). VCF-style: chrX-154367403-C-T. GRCh37 (hg19) VCF-style: chrX-153595771-C-T.
Other names: c.862G>A, p.Gly288Arg (NM_001456.4); c.862G>A (NM_001456.3); short protein forms G288R.
Identifiers: ClinVar variation 11777 (VCV000011777.8), dbSNP rs267606816, ClinGen allele CA121667.